The following is an entry in ClinVar:

ClinVar aggregate classification (germline): Uncertain significance. Review status: criteria provided, multiple submitters, no conflicts (2 of 4 stars). 2 submissions from 2 submitters: Uncertain significance (2). Last evaluated 2025-12-09.

Conditions:
ARHGAP24-related disorder. Also called: ARHGAP24-related condition.

Allele frequency attached by ClinVar (database versions not stated): gnomAD exomes below 0.00001.
gnomAD v4.1: 3 of 1,614,084 alleles (0.00019%); highest among the groups gnomAD compares: Non-Finnish European, 0.00025%; no homozygotes.

Submissions (2):

Ambry Genetics
Classification: Uncertain significance. Last evaluated: 2025-12-09. Review status: criteria provided, single submitter. Criteria: Ambry Variant Classification Scheme 2023. Collection method: clinical testing. Allele origin: germline.

PreventionGenetics, part of Exact Sciences
Classification: Uncertain significance for ARHGAP24-related condition. Last evaluated: 2022-08-26. Review status: criteria provided, single submitter. Criteria: ACMG Guidelines, 2015. Collection method: clinical testing. Allele origin: germline.
Comment: The ARHGAP24 c.494A>C variant is predicted to result in the amino acid substitution p.Gln165Pro. To our knowledge, this variant has not been reported in the literature. This variant is reported in 0.00088% of alleles in individuals of European (Non-Finnish) descent in gnomAD. At this time, the clinical significance of this variant is uncertain due to the absence of conclusive functional and genetic evidence.

NM_001025616.3(ARHGAP24):c.494A>C (p.Gln165Pro)

Gene: ARHGAP24 (Rho GTPase activating protein 24; plus strand). Cytogenetic location: 4q21.23.
Variant type: single nucleotide variant.
Coding change: c.494A>C on transcript NM_001025616.3 (MANE Select); coding-DNA position 494, A replaced by C.
Protein change: p.Gln165Pro; replaces glutamine 165 with proline.
Molecular consequence: missense variant. On other transcripts: intron variant (1).
Genome position (GRCh38, 1-based): chr4:85,942,168, A>C. VCF-style: chr4-85942168-A-C. GRCh37 (hg19) VCF-style: chr4-86863321-A-C.
Other names: c.209A>C, p.Gln70Pro (NM_001042669.2); c.239A>C, p.Gln80Pro (NM_001287805.2); c.215A>C, p.Gln72Pro (NM_031305.3); c.20+18398A>C (NM_001346093.2); short protein forms Q165P, Q70P, Q72P, Q80P.
Identifiers: ClinVar variation 2628716 (VCV002628716.2), dbSNP rs1396995920, ClinGen allele CA357696932.
Genomic context (GRCh38, chr4:85,942,168, plus strand): 5'-AGAGATATGGGAACCGTCTGGCTCCGATGTTGGTGGAGCAGTGCGTGGACTTTATCCGAC[A>C]AAGGGGGCTGAAAGAAGAGGGTCTCTTTCGACTGCCAGGCCAGGCTAATCTTGTTAAGGA-3'
Protein context (NP_001020787.2, residues 155-175): LVEQCVDFIR[Gln165Pro]RGLKEEGLFR